The following is an entry in ClinVar:

NM_001126108.2(SLC12A3):c.1390G>A (p.Ala464Thr)

Gene: SLC12A3 (solute carrier family 12 member 3; plus strand). Cytogenetic location: 16q13.
Variant type: single nucleotide variant.
Coding change: c.1390G>A on transcript NM_001126108.2 (MANE Select); coding-DNA position 1390, G replaced by A.
Protein change: p.Ala464Thr; replaces alanine 464 with threonine.
Molecular consequence: missense variant.
Genome position (GRCh38, 1-based): chr16:56,879,596, G>A. VCF-style: chr16-56879596-G-A. GRCh37 (hg19) VCF-style: chr16-56913508-G-A.
Other names: c.1390G>A, p.Ala464Thr (NM_000339.3); c.1387G>A, p.Ala463Thr (NM_001126107.2); short protein forms A464T, A463T.
Identifiers: ClinVar variation 631753 (VCV000631753.23), dbSNP rs201945662, ClinGen allele CA8069452.

ClinVar aggregate classification (germline): Pathogenic/Likely pathogenic. Review status: criteria provided, multiple submitters, no conflicts (2 of 4 stars). 7 submissions from 7 submitters: Pathogenic (3); Likely pathogenic (4). Last evaluated 2025-10-05.

Conditions:
SLC12A3-related disorder. Also called: SLC12A3-related condition.
Familial hypokalemia-hypomagnesemia (GTLMNS). Also called: HYPOMAGNESEMIA-HYPOKALEMIA, PRIMARY RENOTUBULAR, WITH HYPOCALCIURIA; POTASSIUM AND MAGNESIUM DEPLETION; gitelman syndrome. Identifiers: Orphanet 358, MedGen C0268450, MONDO:0009904, OMIM 263800.

Allele frequency attached by ClinVar (database versions not stated): ExAC 0.00002; TOPMed 0.00002; gnomAD 0.00006.

Submissions (7):

Natera, Inc.
Classification: Pathogenic for Gitelman syndrome. Last evaluated: 2025-10-05. Review status: criteria provided, single submitter. Criteria: Natera Variant Classification Schema (03/2026). Collection method: clinical testing. Allele origin: germline.
Comment: The c.1390G>A variant in SLC12A3 is a missense variant predicted to cause substitution of alanine to threonine at amino acid 464. This variant is rare in the general population with a frequency below the threshold expected for the associated phenotype(s). This variant has been observed in one or more individuals affected with the associated recessive disease, as either homozygous or compound heterozygous with a second variant (PMID: 17699451, 21415153, 21753071, 23328711, 35628451). Computational prediction algorithms indicate this variant is likely to affect gene or protein function. Given the available evidence, this variant is classified as Pathogenic.

First Genomix Gene Laboratory, Genetic Diagnostics Department
Classification: Likely pathogenic for Familial hypokalemia-hypomagnesemia. Last evaluated: 2025-09-25. Review status: criteria provided, single submitter. Criteria: ACMG Guidelines, 2015. Collection method: clinical testing. Allele origin: germline. Inheritance: Autosomal recessive inheritance. Affected: no. Observed: 1 variant allele.

Blueprint Genetics
Classification: Pathogenic for SLC12A3-related disorders. Last evaluated: 2024-05-20. Review status: criteria provided, single submitter. Criteria: ACMG Guidelines, 2015. Collection method: clinical testing. Allele origin: germline. Affected: yes. Observed: 3 variant alleles.

Labcorp Genetics (formerly Invitae), Labcorp
Classification: Pathogenic. Last evaluated: 2024-02-24. Review status: criteria provided, single submitter. Criteria: Invitae Variant Classification Sherloc (09022015). Collection method: clinical testing. Allele origin: germline.
Comment: This sequence change replaces alanine, which is neutral and non-polar, with threonine, which is neutral and polar, at codon 464 of the SLC12A3 protein (p.Ala464Thr). This variant is present in population databases (rs201945662, gnomAD 0.007%). This missense change has been observed in individuals with Gitelman syndrome (PMID: 17699451, 21415153, 21753071, 22009145). ClinVar contains an entry for this variant (Variation ID: 631753). Advanced modeling of protein sequence and biophysical properties (such as structural, functional, and spatial information, amino acid conservation, physicochemical variation, residue mobility, and thermodynamic stability) performed at Invitae indicates that this missense variant is expected to disrupt SLC12A3 protein function with a positive predictive value of 80%. For these reasons, this variant has been classified as Pathogenic.

Fulgent Genetics
Classification: Likely pathogenic for Familial hypokalemia-hypomagnesemia. Last evaluated: 2023-12-28. Review status: criteria provided, single submitter. Criteria: ACMG Guidelines, 2015. Collection method: clinical testing. Allele origin: germline.

European Hospital Georges Pompidou Genetics Department, Assistance Publique - Hôpitaux de Paris AP-HP
Classification: Likely pathogenic for Familial hypokalemia-hypomagnesemia. Last evaluated: 2022-04-27. Review status: criteria provided, single submitter. Criteria: ACMG Guidelines, 2015. Collection method: clinical testing. Allele origin: germline. Affected: yes.
Comment: ACMG criteria used:PS4, PM1, PM2, PP3, PP5,

Illumina Laboratory Services, Illumina
Classification: Likely pathogenic for Familial hypokalemia-hypomagnesemia. Last evaluated: 2017-12-18. Review status: criteria provided, single submitter. Criteria: ICSL Variant Classification Criteria 09 May 2019. Collection method: clinical testing. Allele origin: germline.
Comment: The SLC12A3 c.1390G>A (p.Ala464Thr) variant has been reported in ten individuals with Gitelman syndrome (SyrÃ©n et al. 2002; Colussi et al. 2007; Vargas-Poussou et al. 2011; Balavoine et al. 2011; Glaudemans et al. 2012; Berry et al. 2013), including in a homozygous state in one patient, in a compound heterozygous state in four patients, and in a heterozygous state in five patients in whom a second variant was not identified. Vargas-Poussou et al. (2011) note that 18 to 40% of patients with suspected Gitelman syndrome carry only one SLC12A3 variant allele. The p.Ala464Thr variant was absent from 100 control alleles and is reported at a frequency of 0.000012 in the Total population of the Genome Aggregation Database. Functional studies of the variant have not been conducted. Based on the collective evidence, the p.Ala464Thr variant is classified as likely pathogenic for Gitelman syndrome. This variant was observed by ICSL as part of a predisposition screen in an ostensibly healthy population.

Literature cited by the submitters: PubMed 17699451 (cited by 3 submitters); PubMed 21415153 (cited by 3 submitters); PubMed 21753071 (cited by 3 submitters); PubMed 23328711 (cited by Natera, Inc. and Illumina Laboratory Services, Illumina); PubMed 35628451 (cited by Natera, Inc.); PubMed 22009145 (cited by Labcorp Genetics (formerly Invitae), Labcorp and Illumina Laboratory Services, Illumina); PubMed 12112667 (cited by Illumina Laboratory Services, Illumina).